The following is an entry in ClinVar:

NM_015047.3(EMC1):c.2722C>T (p.Arg908Ter)

Genes: EMC1 (ER membrane protein complex subunit 1; minus strand), EMC1-AS1 (EMC1 antisense RNA 1; plus strand). Cytogenetic location: 1p36.13.
Variant type: single nucleotide variant.
Coding change: c.2722C>T on transcript NM_015047.3 (MANE Select); coding-DNA position 2722, C replaced by T.
Protein change: p.Arg908Ter; replaces arginine 908 with a stop codon.
Molecular consequence: nonsense.
Genome position (GRCh38, 1-based): chr1:19,219,649, G>A on the plus strand (C>T on the coding strand, the complement: EMC1 is on the minus strand). VCF-style: chr1-19219649-G-A. GRCh37 (hg19) VCF-style: chr1-19546143-G-A.
Other names: c.2719C>T, p.Arg907Ter (NM_001271427.2, NM_001271428.2); c.2656C>T, p.Arg886Ter (NM_001271429.2); c.2731C>T, p.Arg911Ter (NM_001375820.1); c.2728C>T, p.Arg910Ter (NM_001375821.1); short protein forms R886*, R907*, R908*, R910*, R911*.
Identifiers: ClinVar variation 3363846 (VCV003363846.3).
Genomic context (GRCh38, chr1:19,219,649, plus strand): 5'-CCGAGGGAGCTGTGTAGATACCTCGCATTCGAGAAACTGTCTGGTTATAGTTGATGAATC[G>A]CTCTGCGTGTATCTGTACATCTGGAGAATACGGGATTAAGTTCTCCTCTCTGCAAAACAC-3'

ClinVar aggregate classification (germline): Pathogenic. Review status: criteria provided, multiple submitters, no conflicts (2 of 4 stars). 2 submissions from 2 submitters: Pathogenic (2). Last evaluated 2025-09-24.

gnomAD v4.1: 21 of 1,613,976 alleles (0.0013%); highest among the groups gnomAD compares: East Asian, 0.0045%; no homozygotes.

Submissions (2):

Labcorp Genetics (formerly Invitae), Labcorp
Classification: Pathogenic. Last evaluated: 2025-09-24. Review status: criteria provided, single submitter. Criteria: Invitae Variant Classification Sherloc (09022015). Collection method: clinical testing. Allele origin: germline.
Comment: This sequence change creates a premature translational stop signal (p.Arg908*) in the EMC1 gene. It is expected to result in an absent or disrupted protein product. Loss-of-function variants in EMC1 are known to be pathogenic (PMID: 26572623, 26942288, 29271071). This variant is present in population databases (no rsID available, gnomAD 0.006%). This variant has not been reported in the literature in individuals affected with EMC1-related conditions. ClinVar contains an entry for this variant (Variation ID: 3363846). Algorithms developed to predict the effect of sequence changes on RNA splicing suggest that this variant may disrupt the consensus splice site. For these reasons, this variant has been classified as Pathogenic.

GeneDx
Classification: Pathogenic. Last evaluated: 2025-01-10. Review status: criteria provided, single submitter. Criteria: GeneDx Variant Classification Process June 2021. Collection method: clinical testing. Allele origin: germline.
Comment: Nonsense variant predicted to result in protein truncation or nonsense mediated decay in a gene for which loss of function is a known mechanism of disease; Not observed at significant frequency in large population cohorts (gnomAD); Has not been previously published as pathogenic or benign to our knowledge

Literature cited by the submitters: PubMed 26572623 (cited by Labcorp Genetics (formerly Invitae), Labcorp); PubMed 26942288 (cited by Labcorp Genetics (formerly Invitae), Labcorp); PubMed 29271071 (cited by Labcorp Genetics (formerly Invitae), Labcorp).